The following is an entry in ClinVar:

NM_017882.3(CLN6):c.872dup (p.Val293fs)

Gene: CLN6 (CLN6 transmembrane ER protein; minus strand). Cytogenetic location: 15q23.
Variant type: Duplication.
Coding change: c.872dup on transcript NM_017882.3 (MANE Select); coding-DNA position 872, one base duplicated (C; older notation c.872dupC).
Protein change: p.Val293fs; shifts the reading frame from valine 293.
Molecular consequence: frameshift variant.
Genome position (GRCh38, 1-based): chr15:68,208,204, G duplicated on the plus strand (C on the coding strand, the reverse complement: CLN6 is on the minus strand); the first of 3 consecutive G bases (chr15:68,208,204-68,208,206); duplicating any one gives the same sequence. VCF-style (leftmost placement, unchanged base first): chr15-68208203-C-CG. GRCh37 (hg19) VCF-style: chr15-68500541-C-CG.
Other names: c.968dup, p.Val325fs (NM_001411068.1); short protein forms V293fs, V325fs.
Identifiers: ClinVar variation 2771270 (VCV002771270.3), dbSNP rs2505401242, ClinGen allele CA2697549157.

ClinVar aggregate classification (germline): Pathogenic (1 of 4 stars; one submission).

Conditions:
Neuronal ceroid lipofuscinosis. Also called: Neuronal Ceroid Lipofuscinoses. Identifiers: Orphanet 216, Orphanet 79263, MedGen C0027877, MONDO:0016295. Disease mechanism: loss of function.

Submission:

Labcorp Genetics (formerly Invitae), Labcorp
Classification: Pathogenic for Neuronal ceroid lipofuscinosis. Last evaluated: 2023-10-25. Review status: criteria provided, single submitter. Criteria: Invitae Variant Classification Sherloc (09022015). Collection method: clinical testing. Allele origin: germline.
Comment: This sequence change creates a premature translational stop signal (p.Val293Cysfs*6) in the CLN6 gene. While this is not anticipated to result in nonsense mediated decay, it is expected to disrupt the last 19 amino acid(s) of the CLN6 protein. This variant is not present in population databases (gnomAD no frequency). This variant has not been reported in the literature in individuals affected with CLN6-related conditions. This variant disrupts a region of the CLN6 protein in which other variant(s) (p.Pro299Leu) have been determined to be pathogenic (PMID: 19135028). This suggests that this is a clinically significant region of the protein, and that variants that disrupt it are likely to be disease-causing. For these reasons, this variant has been classified as Pathogenic.

Literature cited by the submitters: PubMed 19135028.